The following is an entry in ClinVar:

ClinVar aggregate classification (germline): Pathogenic (1 of 4 stars; one submission).

Conditions:
Fanconi anemia (FA). Also called: Fanconi's anemia. Identifiers: Orphanet 84, MedGen C0015625, MeSH D005199, MONDO:0019391.

Submission:

Labcorp Genetics (formerly Invitae), Labcorp
Classification: Pathogenic for Fanconi anemia. Last evaluated: 2020-06-14. Review status: criteria provided, single submitter. Criteria: Invitae Variant Classification Sherloc (09022015). Collection method: clinical testing. Allele origin: germline.
Comment: For these reasons, this variant has been classified as Pathogenic. Loss-of-function variants in FANCA are known to be pathogenic (PMID: 19367192). This variant has not been reported in the literature in individuals with FANCA-related conditions. This variant is an out-of-frame deletion of the genomic region encompassing exon(s) 11-27 of the FANCA gene. This is expected to create a premature translational stop signal and result in an absent or disrupted protein product.

Literature cited by the submitters: PubMed 19367192.

NC_000016.9:g.(?_89833539)_(89862436_?)del

Gene: FANCA (FA complementation group A; minus strand). Cytogenetic location: 16q24.3.
Variant type: Deletion.
Identifiers: ClinVar variation 1075211 (VCV001075211.5).